The following is an entry in ClinVar:

NM_014112.5(TRPS1):c.2725T>C (p.Cys909Arg)

Gene: TRPS1 (transcriptional repressor GATA binding 1; minus strand). Cytogenetic location: 8q23.3.
Variant type: single nucleotide variant.
Coding change: c.2725T>C on transcript NM_014112.5 (MANE Select); coding-DNA position 2725, T replaced by C.
Protein change: p.Cys909Arg; replaces cysteine 909 with arginine.
Molecular consequence: missense variant.
Genome position (GRCh38, 1-based): chr8:115,418,428, A>G on the plus strand (T>C on the coding strand, the complement: TRPS1 is on the minus strand). VCF-style: chr8-115418428-A-G. GRCh37 (hg19) VCF-style: chr8-116430656-A-G.
Other names: c.2698T>C, p.Cys900Arg (NM_001282902.3); c.2704T>C, p.Cys902Arg (NM_001282903.3); c.2686T>C, p.Cys896Arg (NM_001330599.2); short protein forms C909R, C896R, C900R, C902R.
Identifiers: ClinVar variation 2952737 (VCV002952737.4), dbSNP rs2536588605, ClinGen allele CA372064384.

ClinVar aggregate classification (germline): Conflicting classifications of pathogenicity. Review status: criteria provided, conflicting classifications (1 of 4 stars). 2 submissions from 2 submitters: Likely pathogenic (1); Uncertain significance (1). Last evaluated 2024-11-11.

Conditions:
Trichorhinophalangeal syndrome, type III (TRPS3). Also called: SUGIO-KAJII SYNDROME. Identifiers: Orphanet 77258, MedGen C1860823, OMIM 190351, MONDO:0008597.
Trichorhinophalangeal dysplasia type I (TRPS1). Also called: TRICHORHINOPHALANGEAL SYNDROME, TYPE I; TRPS I. Identifiers: Orphanet 77258, MedGen C0432233, MONDO:0008596, OMIM 190350.
TRPS1-related disorder. Also called: TRPS1-related condition.

Submissions (2):

Labcorp Genetics (formerly Invitae), Labcorp
Classification: Uncertain significance for Trichorhinophalangeal syndrome, type III; Trichorhinophalangeal dysplasia type I. Last evaluated: 2024-11-11. Review status: criteria provided, single submitter. Criteria: Invitae Variant Classification Sherloc (09022015). Collection method: clinical testing. Allele origin: germline.
Comment: This sequence change replaces cysteine, which is neutral and slightly polar, with arginine, which is basic and polar, at codon 909 of the TRPS1 protein (p.Cys909Arg). This variant is not present in population databases (gnomAD no frequency). This variant has not been reported in the literature in individuals affected with TRPS1-related conditions. ClinVar contains an entry for this variant (Variation ID: 2952737). Invitae Evidence Modeling of protein sequence and biophysical properties (such as structural, functional, and spatial information, amino acid conservation, physicochemical variation, residue mobility, and thermodynamic stability) indicates that this missense variant is expected to disrupt TRPS1 protein function with a positive predictive value of 80%. This variant disrupts the p.Cys909 amino acid residue in TRPS1. Other variant(s) that disrupt this residue have been determined to be pathogenic (PMID: 29095814, 33073934). This suggests that this residue is clinically significant, and that variants that disrupt this residue are likely to be disease-causing. In summary, the available evidence is currently insufficient to determine the role of this variant in disease. Therefore, it has been classified as a Variant of Uncertain Significance.

Blueprint Genetics
Classification: Likely pathogenic for TRPS1-related disorders. Last evaluated: 2024-03-27. Review status: criteria provided, single submitter. Criteria: ACMG Guidelines, 2015. Collection method: clinical testing. Allele origin: germline. Affected: yes. Observed: 1 variant allele.

Literature cited by the submitters: PubMed 29095814 (cited by Labcorp Genetics (formerly Invitae), Labcorp); PubMed 33073934 (cited by Labcorp Genetics (formerly Invitae), Labcorp).